The following is an entry in ClinVar:

NM_000921.5(PDE3A):c.1792G>A (p.Ala598Thr)

Gene: PDE3A (phosphodiesterase 3A; plus strand). Cytogenetic location: 12p12.2.
Variant type: single nucleotide variant.
Coding change: c.1792G>A on transcript NM_000921.5 (MANE Select); coding-DNA position 1792, G replaced by A.
Protein change: p.Ala598Thr; replaces alanine 598 with threonine.
Molecular consequence: missense variant. On other transcripts: intron variant (1).
Genome position (GRCh38, 1-based): chr12:20,633,724, G>A. VCF-style: chr12-20633724-G-A. GRCh37 (hg19) VCF-style: chr12-20786658-G-A.
Other names: c.826G>A, p.Ala276Thr (NM_001244683.2, NM_001378409.1); c.829G>A, p.Ala277Thr (NM_001378408.1); c.1541-1178G>A (NM_001378407.1); short protein forms A276T, A598T, A277T.
Identifiers: ClinVar variation 2821197 (VCV002821197.3), dbSNP rs2498062394, ClinGen allele CA384077510.
Genomic context (GRCh38, chr12:20,633,724, plus strand): 5'-ACACCTATAGCTCTTCCAATATTTTTTAGCTGTGGCAGACCATATTCCCAAGGGAATCCT[G>A]CTGATGAGCCCCTGGAGAGAAGTGGGGTAGCCACTCGGACACCAAGTAGAACAGGTAATT-3'
Protein context (NP_000912.3, residues 588-608): CGRPYSQGNP[Ala598Thr]DEPLERSGVA

ClinVar aggregate classification (germline): Uncertain significance (1 of 4 stars; one submission).

Submission:

Labcorp Genetics (formerly Invitae), Labcorp
Classification: Uncertain significance. Last evaluated: 2023-10-03. Review status: criteria provided, single submitter. Criteria: Invitae Variant Classification Sherloc (09022015). Collection method: clinical testing. Allele origin: germline.
Comment: This sequence change replaces alanine, which is neutral and non-polar, with threonine, which is neutral and polar, at codon 598 of the PDE3A protein (p.Ala598Thr). This variant is not present in population databases (gnomAD no frequency). This variant has not been reported in the literature in individuals affected with PDE3A-related conditions. Algorithms developed to predict the effect of missense changes on protein structure and function output the following: SIFT: "Not Available"; PolyPhen-2: "Benign"; Align-GVGD: "Not Available". The threonine amino acid residue is found in multiple mammalian species, which suggests that this missense change does not adversely affect protein function. In summary, the available evidence is currently insufficient to determine the role of this variant in disease. Therefore, it has been classified as a Variant of Uncertain Significance.